The following is an entry in ClinVar:

NM_001190274.2(FBXO11):c.1553A>G (p.Asn518Ser)

Gene: FBXO11 (F-box protein 11; minus strand). Cytogenetic location: 2p16.3.
Variant type: single nucleotide variant.
Coding change: c.1553A>G on transcript NM_001190274.2 (MANE Select); coding-DNA position 1553, A replaced by G.
Protein change: p.Asn518Ser; replaces asparagine 518 with serine.
Molecular consequence: missense variant.
Genome position (GRCh38, 1-based): chr2:47,823,206, T>C on the plus strand (A>G on the coding strand, the complement: FBXO11 is on the minus strand). VCF-style: chr2-47823206-T-C. GRCh37 (hg19) VCF-style: chr2-48050345-T-C.
Other names: c.1553A>G (NM_001190274.1); c.1301A>G, p.Asn434Ser (NM_001374325.1, NM_025133.4); short protein forms N518S, N434S.
Identifiers: ClinVar variation 2790513 (VCV002790513.6), dbSNP rs1216522546, ClinGen allele CA346764784.

ClinVar aggregate classification (germline): Uncertain significance. Review status: criteria provided, multiple submitters, no conflicts (2 of 4 stars). 3 submissions from 3 submitters: Uncertain significance (3). Last evaluated 2026-02-20.

Conditions:
Inborn genetic diseases. Identifiers: MedGen C0950123, MeSH D030342.
Intellectual developmental disorder with dysmorphic facies and behavioral abnormalities. Identifiers: MedGen C4748135, MONDO:0060760, OMIM 618089.

Allele frequency attached by ClinVar (database versions not stated): TOPMed below 0.00001; gnomAD 0.00001.
gnomAD v4.1: 2 of 1,613,958 alleles (0.00012%); highest among the groups gnomAD compares: Admixed American, 0.0017%; no homozygotes.

Submissions (3):

Dasa
Classification: Uncertain significance for Intellectual developmental disorder with dysmorphic facies and behavioral abnormalities. Last evaluated: 2026-02-20. Review status: criteria provided, single submitter. Criteria: DASA Assertion Criteria. Collection method: clinical testing. Allele origin: germline.
Comment: NM_001190274.2(FBXO11):c.1553A>G (p.Asn518Ser) is a missense variant that results in the substitution of asparagine with serine. This variant is rare in population databases. Computational prediction algorithms are consistent with a deleterious effect. The currently available literature and clinical evidence are not sufficient to establish a definitive association between this variant and the reported condition. Therefore, this variant is classified as a variant of uncertain significance.

Ambry Genetics
Classification: Uncertain significance for Inborn genetic diseases. Last evaluated: 2025-10-24. Review status: criteria provided, single submitter. Criteria: Ambry Variant Classification Scheme 2023. Collection method: clinical testing. Allele origin: germline.

Labcorp Genetics (formerly Invitae), Labcorp
Classification: Uncertain significance. Last evaluated: 2023-02-18. Review status: criteria provided, single submitter. Criteria: Invitae Variant Classification Sherloc (09022015). Collection method: clinical testing. Allele origin: germline.
Comment: In summary, the available evidence is currently insufficient to determine the role of this variant in disease. Therefore, it has been classified as a Variant of Uncertain Significance. An algorithm developed to predict the effect of missense changes on protein structure and function (PolyPhen-2) suggests that this variant is likely to be disruptive. This variant has not been reported in the literature in individuals affected with FBXO11-related conditions. This variant is present in population databases (no rsID available, gnomAD no frequency). This sequence change replaces asparagine, which is neutral and polar, with serine, which is neutral and polar, at codon 518 of the FBXO11 protein (p.Asn518Ser).